The following is an entry in ClinVar:

NM_003995.4(NPR2):c.3078+16G>T

Genes: SPAG8 (sperm associated antigen 8; minus strand), NPR2 (natriuretic peptide receptor 2; plus strand). Cytogenetic location: 9p13.3.
Variant type: single nucleotide variant.
Coding change: c.3078+16G>T on transcript NM_003995.4 (MANE Select); 16 bases into the intron after coding-DNA position 3078, G replaced by T.
Molecular consequence: intron variant.
Genome position (GRCh38, 1-based): chr9:35,809,263, G>T. VCF-style: chr9-35809263-G-T. GRCh37 (hg19) VCF-style: chr9-35809260-G-T.
Other names: c.3087+16G>T (NM_001378923.1); c.1201-957C>A (NM_001366760.2); c.1372+141C>A (NM_172312.2).
Identifiers: ClinVar variation 1032171 (VCV001032171.10), dbSNP rs760800240, ClinGen allele CA5052193.

ClinVar aggregate classification (germline): Conflicting classifications of pathogenicity. Review status: criteria provided, conflicting classifications (1 of 4 stars). 2 submissions from 2 submitters: Uncertain significance (1); Likely benign (1). Last evaluated 2025-06-10.

Conditions:
Acromesomelic dysplasia 1, Maroteaux type (AMD1). Also called: ST. HELENA DYSPLASIA; ACROMESOMELIC DYSPLASIA 1. Identifiers: Orphanet 40, MedGen C1864356, MONDO:0011275, OMIM 602875.
Tall stature-scoliosis-macrodactyly of the great toes syndrome. Also called: Epiphyseal chondrodysplasia, miura type. Identifiers: Orphanet 329191, MedGen C4014690, MONDO:0014401, OMIM 615923.

Allele frequency attached by ClinVar (database versions not stated): TOPMed 0.00003; ExAC 0.00009; gnomAD 0.00001; gnomAD exomes 0.00004 and 0.00009.
gnomAD v4.1: 26 of 1,612,910 alleles (0.0016%); highest among the groups gnomAD compares: Admixed American, 0.043%; no homozygotes.

Submissions (2):

Labcorp Genetics (formerly Invitae), Labcorp
Classification: Likely benign for Tall stature-scoliosis-macrodactyly of the great toes syndrome; Acromesomelic dysplasia 1, Maroteaux type. Last evaluated: 2025-06-10. Review status: criteria provided, single submitter. Criteria: Invitae Variant Classification Sherloc (09022015). Collection method: clinical testing. Allele origin: germline.

Baylor Genetics
Classification: Uncertain significance for Acromesomelic dysplasia 1, Maroteaux type. Last evaluated: 2018-07-29. Review status: criteria provided, single submitter. Criteria: ACMG Guidelines, 2015. Collection method: clinical testing. Allele origin: paternal. Affected: yes.
Comment: This variant was determined to be of uncertain significance according to ACMG Guidelines, 2015 [PMID:25741868].